The following is an entry in ClinVar:

NM_001129729.3(PLEKHG4):c.813+8C>T

Gene: PLEKHG4 (pleckstrin homology and RhoGEF domain containing G4; plus strand). Cytogenetic location: 16q22.1.
Variant type: single nucleotide variant.
Coding change: c.813+8C>T on transcript NM_001129729.3 (MANE Select); 8 bases into the intron after coding-DNA position 813, C replaced by T.
Molecular consequence: intron variant.
Genome position (GRCh38, 1-based): chr16:67,281,192, C>T. VCF-style: chr16-67281192-C-T. GRCh37 (hg19) VCF-style: chr16-67315095-C-T.
Other names: c.813+8C>T (NM_001129727.3, NM_001129728.2); c.570+8C>T (NM_001129731.3).
Identifiers: ClinVar variation 4534415 (VCV004534415.6).

ClinVar aggregate classification (germline): Likely benign (1 of 4 stars; one submission).

gnomAD v4.1: 22 of 1,539,656 alleles (0.0014%); highest among the groups gnomAD compares: Non-Finnish European, 0.002%; no homozygotes.

Submission:

CeGaT Center for Human Genetics Tuebingen
Classification: Likely benign. Last evaluated: 2025-10-01. Review status: criteria provided, single submitter. Criteria: CeGaT Center For Human Genetics Tuebingen Variant Classification Criteria Version 2. Collection method: clinical testing. Allele origin: germline. Affected: yes. Observed: 1 variant allele.
Comment: PLEKHG4: BP4